The following is an entry in ClinVar:

ClinVar aggregate classification (germline): Uncertain significance (1 of 4 stars; one submission).

Submission:

Labcorp Genetics (formerly Invitae), Labcorp
Classification: Uncertain significance. Last evaluated: 2023-05-07. Review status: criteria provided, single submitter. Criteria: Invitae Variant Classification Sherloc (09022015). Collection method: clinical testing. Allele origin: germline.
Comment: In summary, the available evidence is currently insufficient to determine the role of this variant in disease. Therefore, it has been classified as a Variant of Uncertain Significance. Advanced modeling of protein sequence and biophysical properties (such as structural, functional, and spatial information, amino acid conservation, physicochemical variation, residue mobility, and thermodynamic stability) performed at Invitae indicates that this missense variant is not expected to disrupt CDH23 protein function. This variant has not been reported in the literature in individuals affected with CDH23-related conditions. This variant is not present in population databases (gnomAD no frequency). This sequence change replaces histidine, which is basic and polar, with tyrosine, which is neutral and polar, at codon 248 of the CDH23 protein (p.His248Tyr).

NM_022124.6(CDH23):c.742C>T (p.His248Tyr)

Gene: CDH23 (cadherin related 23; plus strand). Cytogenetic location: 10q22.1.
Variant type: single nucleotide variant.
Coding change: c.742C>T on transcript NM_022124.6 (MANE Select); coding-DNA position 742, C replaced by T.
Protein change: p.His248Tyr; replaces histidine 248 with tyrosine.
Molecular consequence: missense variant.
Genome position (GRCh38, 1-based): chr10:71,570,907, C>T. VCF-style: chr10-71570907-C-T. GRCh37 (hg19) VCF-style: chr10-73330664-C-T.
Other names: c.742C>T, p.His248Tyr (NM_001171930.2, NM_001171931.2, NM_001171932.2 and 1 more transcripts); short protein forms H248Y.
Identifiers: ClinVar variation 2862546 (VCV002862546.3), dbSNP rs2493485450, ClinGen allele CA377113279.
Genomic context (GRCh38, chr10:71,570,907, plus strand): 5'-GATGTCCAGGACATGGACCCCATCTTCATCAACCTGCCTTACAGCACCAACATCTACGAG[C>T]ATTCTCCTCCGGTAAGACTCCTGGCCCTTCCTTCTCAGAAGTCCCTTCTCAGAGGGACTT-3'
Protein context (NP_071407.4, residues 238-258): NLPYSTNIYE[His248Tyr]SPPGTTVRII